The following is an entry in ClinVar:

NM_007294.4(BRCA1):c.5359T>G (p.Cys1787Gly)

Gene: BRCA1 (BRCA1 DNA repair associated; minus strand). Cytogenetic location: 17q21.31.
Variant type: single nucleotide variant.
Coding change: c.5359T>G on transcript NM_007294.4 (MANE Select); coding-DNA position 5359, T replaced by G.
Protein change: p.Cys1787Gly; replaces cysteine 1787 with glycine.
Molecular consequence: missense variant. On other transcripts: non-coding transcript variant (1), intron variant (1).
Genome position (GRCh38, 1-based): chr17:43,049,168, A>C on the plus strand (T>G on the coding strand, the complement: BRCA1 is on the minus strand). VCF-style: chr17-43049168-A-C. GRCh37 (hg19) VCF-style: chr17-41201185-A-C.
Other names: c.5146T>G, p.Cys1716Gly (NM_001407571.1, NM_001407898.1, NM_001407899.1 and 12 more transcripts); c.5425T>G, p.Cys1809Gly (NM_001407581.1, NM_001407582.1); c.5422T>G, p.Cys1808Gly (NM_001407583.1, NM_001407585.1, NM_001407587.1 and 1 more transcripts); c.5419T>G, p.Cys1807Gly (NM_001407590.1, NM_001407591.1); c.5359T>G, p.Cys1787Gly (NM_001407593.1, NM_001407594.1, NM_001407596.1 and 5 more transcripts); c.5356T>G, p.Cys1786Gly (NM_001407610.1, NM_001407621.1, NM_001407622.1 and 14 more transcripts); c.5353T>G, p.Cys1785Gly (NM_001407627.1, NM_001407628.1, NM_001407629.1 and 13 more transcripts); c.5350T>G, p.Cys1784Gly (NM_001407644.1, NM_001407645.1); and 73 more; short protein forms C1808G, C1740G, C1787G, C683G, C1490G, C1697G, C1716G, C1718G.
Identifiers: ClinVar variation 865656 (VCV000865656.3), dbSNP rs80357065, ClinGen allele CA10590747.
Genomic context (GRCh38, chr17:43,049,168, plus strand): 5'-ACCCAATACTTACTGTGCCAAGGGTGAATGATGAAAGCTCCTTCACCACAGAAGCACCAC[A>C]CAGCTGTACCATCCATTCCAGTTGATCTAAAATGGACATTTAGATGTAAAATCACTGCAG-3'
Protein context (NP_009225.1, residues 1777-1797): TDQLEWMVQL[Cys1787Gly]GASVVKELSS

Conditions:
Breast-ovarian cancer, familial, susceptibility to, 1 (BROVCA1). Also called: BRCA1 Hereditary Breast and Ovarian Cancer; OVARIAN CANCER, SUSCEPTIBILITY TO. Identifiers: Orphanet 145, MedGen C2676676, MONDO:0011450, OMIM 604370. Disease mechanism: loss of function.

Submission:

Brotman Baty Institute, University of Washington
No classification provided (evidence only). Condition: Breast-ovarian cancer, familial 1. Review status: no classification provided. Collection method: in vitro. Allele origin: not applicable. Functional consequence: functionally_normal.
ClinVar note: "not provided" was previously submitted as the classification for the variant. However, the classification appeared to be based only on an observation of functional data so it was converted to no classification on 2025-07-30.